The following is an entry in ClinVar:

ClinVar aggregate classification (germline): Uncertain significance (1 of 4 stars; one submission).

Conditions:
PLXNA4-related disorder. Also called: PLXNA4-related condition.

gnomAD v4.1: 18 of 1,613,456 alleles (0.0011%); highest among the groups gnomAD compares: Non-Finnish European, 0.0014%; no homozygotes.

Submission:

PreventionGenetics, part of Exact Sciences
Classification: Uncertain significance for PLXNA4-related condition. Last evaluated: 2024-10-11. Review status: criteria provided, single submitter. Criteria: ACMG Guidelines, 2015. Collection method: clinical testing. Allele origin: germline.
Comment: The PLXNA4 c.3734C>T variant is predicted to result in the amino acid substitution p.Ala1245Val. To our knowledge, this variant has not been reported in the literature. This variant is reported in 0.00091% of alleles in individuals of European (Non-Finnish) descent in gnomAD. At this time, the clinical significance of this variant is uncertain due to the absence of conclusive functional and genetic evidence.

NM_020911.2(PLXNA4):c.3734C>T (p.Ala1245Val)

Gene: PLXNA4 (plexin A4; minus strand). Cytogenetic location: 7q32.3.
Variant type: single nucleotide variant.
Coding change: c.3734C>T on transcript NM_020911.2 (MANE Select); coding-DNA position 3734, C replaced by T.
Protein change: p.Ala1245Val; replaces alanine 1245 with valine.
Molecular consequence: missense variant.
Genome position (GRCh38, 1-based): chr7:132,179,827, G>A on the plus strand (C>T on the coding strand, the complement: PLXNA4 is on the minus strand). VCF-style: chr7-132179827-G-A. GRCh37 (hg19) VCF-style: chr7-131864586-G-A.
Other names: c.3734C>T, p.Ala1245Val (NM_001393897.1); short protein forms A1245V.
Identifiers: ClinVar variation 4977785 (VCV004977785.1).